The following is an entry in ClinVar:

ClinVar aggregate classification (germline): Conflicting classifications of pathogenicity. Review status: criteria provided, conflicting classifications (1 of 4 stars). 4 submissions from 3 submitters: Uncertain significance (1); Benign (1); Likely benign (2). Last evaluated 2024-06-07.

Conditions:
Autosomal recessive Robinow syndrome (RRS1). Also called: ROR2-Related Robinow Syndrome; COSTOVERTEBRAL SEGMENTATION DEFECT WITH MESOMELIA; COVESDEM SYNDROME; ROBINOW SYNDROME, AUTOSOMAL RECESSIVE 1. Identifiers: Orphanet 1507, Orphanet 97360, MedGen C5399974, MONDO:0009999, OMIM 268310.
Brachydactyly type B1 (BDB1). Identifiers: Orphanet 572385, Orphanet 93383, MedGen C1862112, MONDO:0007220, OMIM 113000.

Allele frequency attached by ClinVar (database versions not stated): gnomAD 0.00004; gnomAD exomes 0.00004 and 0.00008; TOPMed 0.00004; ExAC 0.00007; 1000 Genomes Project 0.00020; 1000 Genomes Project 30x 0.00031.
gnomAD v4.1: 64 of 1,613,312 alleles (0.004%); highest among the groups gnomAD compares: Admixed American, 0.027%; no homozygotes.

Submissions (4):

Blueprint Genetics
Classification: Likely benign. Last evaluated: 2024-06-07. Review status: criteria provided, single submitter. Criteria: ACMG Guidelines, 2015. Collection method: clinical testing. Allele origin: germline.

Labcorp Genetics (formerly Invitae), Labcorp
Classification: Likely benign. Last evaluated: 2022-12-27. Review status: criteria provided, single submitter. Criteria: Invitae Variant Classification Sherloc (09022015). Collection method: clinical testing. Allele origin: germline.

Illumina Laboratory Services, Illumina
Classification: Benign for Brachydactyly type B1. Last evaluated: 2018-01-13. Review status: criteria provided, single submitter. Criteria: ICSL Variant Classification Criteria 13 December 2019. Collection method: clinical testing. Allele origin: germline.
Comment: This variant was observed in the ICSL laboratory as part of a predisposition screen in an ostensibly healthy population. It had not been previously curated by ICSL or reported in the Human Gene Mutation Database (HGMD: prior to June 1st, 2018), and was therefore a candidate for classification through an automated scoring system. Utilizing variant allele frequency, disease prevalence and penetrance estimates, and inheritance mode, an automated score was calculated to assess if this variant is too frequent to cause the disease. Based on the score and internal cut-off values, a variant classified as benign is not then subjected to further curation. The score for this variant resulted in a classification of benign for this disease.

Illumina Laboratory Services, Illumina
Classification: Uncertain significance for Autosomal recessive Robinow syndrome. Last evaluated: 2018-01-13. Review status: criteria provided, single submitter. Criteria: ICSL Variant Classification Criteria 13 December 2019. Collection method: clinical testing. Allele origin: germline.

NM_004560.4(ROR2):c.2277G>A (p.Ala759=)

Gene: ROR2 (ROR family WNT receptor 2; minus strand). Cytogenetic location: 9q22.31.
Variant type: single nucleotide variant.
Coding change: c.2277G>A on transcript NM_004560.4 (MANE Select); coding-DNA position 2277, G replaced by A.
Protein change: p.Ala759=; no amino-acid change (alanine 759 retained).
Molecular consequence: synonymous variant.
Genome position (GRCh38, 1-based): chr9:91,724,217, C>T on the plus strand (G>A on the coding strand, the complement: ROR2 is on the minus strand). VCF-style: chr9-91724217-C-T. GRCh37 (hg19) VCF-style: chr9-94486499-C-T.
Identifiers: ClinVar variation 367497 (VCV000367497.9), dbSNP rs369491865, ClinGen allele CA5120430.